The following is an entry in ClinVar:

ClinVar aggregate classification (germline): Conflicting classifications of pathogenicity. Review status: criteria provided, conflicting classifications (1 of 4 stars). 5 submissions from 5 submitters: Uncertain significance (4); Likely benign (1). Last evaluated 2024-11-04.

Conditions:
Arrhythmogenic right ventricular cardiomyopathy (ARVD). Also called: Arrhythmogenic cardiomyopathy; Cardiomyopathy, ARVC; Arrhythmogenic right ventricular dysplasia; Arrhythmogenic Right Ventricular Cardiomyopathy (ARVC). Identifiers: Orphanet 247, MedGen C0349788, MeSH D019571, MONDO:0016587. Disease mechanism: loss of function. Inheritance: Various modes of inheritance.
Cardiomyopathy (CMYO). Also called: Cardiomyopathies. Identifiers: Orphanet 167848, MedGen C0878544, MONDO:0004994, HP:0001638. Inheritance: Various modes of inheritance.
Cardiovascular phenotype. Identifiers: MedGen CN230736.
Arrhythmogenic right ventricular dysplasia 9 (ARVD9). Also called: Arrhythmogenic Right Ventricular Dysplasia/Cardiomyopathy 9; ARRHYTHMOGENIC RIGHT VENTRICULAR DYSPLASIA, FAMILIAL, 9. Identifiers: MedGen C1836906, MONDO:0012180, OMIM 609040.

Allele frequency attached by ClinVar (database versions not stated): ExAC 0.00001; TOPMed 0.00001.

Submissions (5):

Labcorp Genetics (formerly Invitae), Labcorp
Classification: Uncertain significance for Arrhythmogenic right ventricular dysplasia 9. Last evaluated: 2024-11-04. Review status: criteria provided, single submitter. Criteria: Invitae Variant Classification Sherloc (09022015). Collection method: clinical testing. Allele origin: germline.
Comment: This sequence change replaces arginine, which is basic and polar, with histidine, which is basic and polar, at codon 299 of the PKP2 protein (p.Arg299His). This variant is present in population databases (rs755425370, gnomAD 0.006%). This variant has not been reported in the literature in individuals affected with PKP2-related conditions. ClinVar contains an entry for this variant (Variation ID: 927751). An algorithm developed to predict the effect of missense changes on protein structure and function outputs the following: PolyPhen-2: "Benign". The histidine amino acid residue is found in multiple mammalian species, which suggests that this missense change does not adversely affect protein function. In summary, the available evidence is currently insufficient to determine the role of this variant in disease. Therefore, it has been classified as a Variant of Uncertain Significance.

Ambry Genetics
Classification: Likely benign for Cardiovascular phenotype. Last evaluated: 2024-09-30. Review status: criteria provided, single submitter. Criteria: Ambry Variant Classification Scheme 2023. Collection method: clinical testing. Allele origin: germline.

Color Diagnostics, LLC DBA Color Health
Classification: Uncertain significance for Cardiomyopathy. Last evaluated: 2023-12-05. Review status: criteria provided, single submitter. Criteria: ACMG Guidelines, 2015. Collection method: clinical testing. Allele origin: germline.
Comment: Variant of Uncertain Significance due to insufficient evidence: This missense variant replaces arginine with histidine at codon 299 of the PKP2 protein. Computational prediction tools and conservation analyses suggest that this variant may not impact the protein function. Computational splicing tools suggest that this variant may not impact RNA splicing. To our knowledge, functional assays have not been performed for this variant nor has this variant been reported in individuals affected with cardiovascular disorders in the literature. This variant has been identified in 3/250988 chromosomes in the general population by the Genome Aggregation Database (gnomAD). Available evidence is insufficient to determine the role of this variant in disease conclusively.

All of Us Research Program, National Institutes of Health
Classification: Uncertain significance for Arrhythmogenic right ventricular cardiomyopathy. Last evaluated: 2023-04-27. Review status: criteria provided, single submitter. Criteria: ACMG Guidelines, 2015. Collection method: clinical testing. Allele origin: germline. Inheritance: Autosomal dominant inheritance. Observed: 1 variant allele, 1 heterozygote.
Comment: Variant of Uncertain Significance due to insufficient evidence: This missense variant replaces arginine with histidine at codon 299 of the PKP2 protein. Computational prediction tools and conservation analyses suggest that this variant may not impact the protein function. Computational splicing tools suggest that this variant may not impact RNA splicing. To our knowledge, functional assays have not been performed for this variant nor has this variant been reported in individuals affected with cardiovascular disorders in the literature. This variant has been identified in 3/250988 chromosomes in the general population by the Genome Aggregation Database (gnomAD). Available evidence is insufficient to determine the role of this variant in disease conclusively.

This study involves interpretation of variants in research participants for the purpose of population health screening. Participant phenotype was not available at the time of variant classification. Additional details can be found in publication PMID: 35346344, PMCID: PMC8962531

GeneDx
Classification: Uncertain significance. Last evaluated: 2019-09-11. Review status: criteria provided, single submitter. Criteria: GeneDx Variant Classification Process June 2021. Collection method: clinical testing. Allele origin: germline. Affected: yes.
Comment: Has not been previously published as pathogenic or benign to our knowledge; Not observed at a significant frequency in large population cohorts (Lek et al., 2016); In silico analysis, which includes protein predictors and evolutionary conservation, supports that this variant does not alter protein structure/function

NM_001005242.3(PKP2):c.896G>A (p.Arg299His)

Gene: PKP2 (plakophilin 2; minus strand). Cytogenetic location: 12p11.21.
Variant type: single nucleotide variant.
Coding change: c.896G>A on transcript NM_001005242.3 (MANE Select); coding-DNA position 896, G replaced by A.
Protein change: p.Arg299His; replaces arginine 299 with histidine.
Molecular consequence: missense variant.
Genome position (GRCh38, 1-based): chr12:32,877,984, C>T on the plus strand (G>A on the coding strand, the complement: PKP2 is on the minus strand). VCF-style: chr12-32877984-C-T. GRCh37 (hg19) VCF-style: chr12-33030918-C-T.
Other names: c.896G>A, p.Arg299His (NM_004572.4); short protein forms R299H.
Identifiers: ClinVar variation 927751 (VCV000927751.14), dbSNP rs755425370, ClinGen allele CA039301.